The following is an entry in ClinVar:

ClinVar aggregate classification (germline): Uncertain significance (1 of 4 stars; one submission).

Submission:

Labcorp Genetics (formerly Invitae), Labcorp
Classification: Uncertain significance. Last evaluated: 2024-08-06. Review status: criteria provided, single submitter. Criteria: Invitae Variant Classification Sherloc (09022015). Collection method: clinical testing. Allele origin: germline.
Comment: This sequence change replaces leucine, which is neutral and non-polar, with phenylalanine, which is neutral and non-polar, at codon 194 of the SULF1 protein (p.Leu194Phe). This variant is not present in population databases (gnomAD no frequency). This variant has not been reported in the literature in individuals affected with SULF1-related conditions. An algorithm developed to predict the effect of missense changes on protein structure and function (PolyPhen-2) suggests that this variant is likely to be disruptive. In summary, the available evidence is currently insufficient to determine the role of this variant in disease. Therefore, it has been classified as a Variant of Uncertain Significance.

NM_001128205.2(SULF1):c.582A>C (p.Leu194Phe)

Gene: SULF1 (sulfatase 1; plus strand). Cytogenetic location: 8q13.2.
Variant type: single nucleotide variant.
Coding change: c.582A>C on transcript NM_001128205.2 (MANE Select); coding-DNA position 582, A replaced by C.
Protein change: p.Leu194Phe; replaces leucine 194 with phenylalanine.
Molecular consequence: missense variant. On other transcripts: non-coding transcript variant (6), intron variant (3).
Genome position (GRCh38, 1-based): chr8:69,588,989, A>C. VCF-style: chr8-69588989-A-C. GRCh37 (hg19) VCF-style: chr8-70501224-A-C.
Other names: c.582A>C, p.Leu194Phe (NM_001412839.1, NM_001412840.1, NM_001412847.1 and 18 more transcripts); c.396A>C, p.Leu132Phe (NM_001412841.1, NM_001412842.1); c.39-57A>C (NM_001412845.1, NM_001412844.1); c.-1137-57A>C (NM_001412846.1); short protein forms L132F, L194F.
Identifiers: ClinVar variation 3657422 (VCV003657422.2).